The following is an entry in ClinVar:

ClinVar aggregate classification (germline): Uncertain significance (1 of 4 stars; one submission).

Allele frequency attached by ClinVar (database versions not stated): gnomAD exomes below 0.00001.
gnomAD v4.1: 1 of 1,614,246 alleles (0.000062%); highest among the groups gnomAD compares: Non-Finnish European, 0.000085%; no homozygotes.

Submission:

Ambry Genetics
Classification: Uncertain significance. Last evaluated: 2023-03-06. Review status: criteria provided, single submitter. Criteria: Ambry Variant Classification Scheme 2023. Collection method: clinical testing. Allele origin: germline.
Comment: The p.N219K variant (also known as c.657T>G), located in coding exon 3 of the ALPK2 gene, results from a T to G substitution at nucleotide position 657. The asparagine at codon 219 is replaced by lysine, an amino acid with similar properties. This amino acid position is conserved. In addition, this alteration is predicted to be tolerated by in silico analysis. Since supporting evidence is limited at this time, the clinical significance of this alteration remains unclear.

NM_052947.4(ALPK2):c.657T>G (p.Asn219Lys)

Gene: ALPK2 (alpha kinase 2; minus strand). Cytogenetic location: 18q21.31.
Variant type: single nucleotide variant.
Coding change: c.657T>G on transcript NM_052947.4 (MANE Select); coding-DNA position 657, T replaced by G.
Protein change: p.Asn219Lys; replaces asparagine 219 with lysine.
Molecular consequence: missense variant.
Genome position (GRCh38, 1-based): chr18:58,580,119, A>C on the plus strand (T>G on the coding strand, the complement: ALPK2 is on the minus strand). VCF-style: chr18-58580119-A-C. GRCh37 (hg19) VCF-style: chr18-56247351-A-C.
Other names: short protein forms N219K.
Identifiers: ClinVar variation 2497280 (VCV002497280.2), dbSNP rs2518900000, ClinGen allele CA402567503.